The following is an entry in ClinVar:

NM_025099.6(CTC1):c.2759-7T>G

Gene: CTC1 (CST telomere replication complex component 1; minus strand). Cytogenetic location: 17p13.1.
Variant type: single nucleotide variant.
Coding change: c.2759-7T>G on transcript NM_025099.6 (MANE Select); 7 bases into the intron before coding-DNA position 2759, T replaced by G.
Molecular consequence: intron variant.
Genome position (GRCh38, 1-based): chr17:8,230,475, A>C on the plus strand (T>G on the coding strand, the complement: CTC1 is on the minus strand). VCF-style: chr17-8230475-A-C. GRCh37 (hg19) VCF-style: chr17-8133793-A-C.
Other names: c.2759-7T>G (NM_001411067.1).
Identifiers: ClinVar variation 2817621 (VCV002817621.1), dbSNP rs2507882469, ClinGen allele CA2739267122.
Genomic context (GRCh38, chr17:8,230,475, plus strand): 5'-CAGTCTCAAGAGCGACTGTTAGCTTCACACACCTTCTCATGGCCCCCGTGTTCCCTATAG[A>C]AGGAAGGTGGGTGTTAGTAGGATCTGTGAAGTCCACAAAGTCCCATCACTCTATTTCATA-3'

ClinVar aggregate classification (germline): Uncertain significance (1 of 4 stars; one submission).

Conditions:
Dyskeratosis congenita. Identifiers: Orphanet 1775, MedGen C0265965, MONDO:0015780.

Submission:

Labcorp Genetics (formerly Invitae), Labcorp
Classification: Uncertain significance for Dyskeratosis congenita. Last evaluated: 2023-03-20. Review status: criteria provided, single submitter. Criteria: Invitae Variant Classification Sherloc (09022015). Collection method: clinical testing. Allele origin: germline.
Comment: In summary, the available evidence is currently insufficient to determine the role of this variant in disease. Therefore, it has been classified as a Variant of Uncertain Significance. Algorithms developed to predict the effect of sequence changes on RNA splicing suggest that this variant may disrupt the consensus splice site. This variant has not been reported in the literature in individuals affected with CTC1-related conditions. This variant is not present in population databases (gnomAD no frequency). This sequence change falls in intron 16 of the CTC1 gene. It does not directly change the encoded amino acid sequence of the CTC1 protein.